The following is an entry in ClinVar:

ClinVar aggregate classification (germline): Uncertain significance (1 of 4 stars; one submission).

Conditions:
Intellectual developmental disorder, autosomal dominant 45. Also called: MENTAL RETARDATION, AUTOSOMAL DOMINANT 45; Intellectual disability, autosomal dominant 45. Identifiers: MedGen C4539848, MONDO:0030910, OMIM 617600.

Submission:

Juno Genomics, Hangzhou Juno Genomics, Inc
Classification: Uncertain significance for Intellectual developmental disorder, autosomal dominant 45. Review status: criteria provided, single submitter. Criteria: ACMG Guidelines, 2015. Collection method: clinical testing. Allele origin: germline.
Comment: Absent from controls (or at extremely low frequency if recessive) in Genome Aggregation Database.

NM_001386298.1(CIC):c.2180C>A (p.Ala727Asp)

Gene: CIC (capicua transcriptional repressor; plus strand). Cytogenetic location: 19q13.2.
Variant type: single nucleotide variant.
Coding change: c.2180C>A on transcript NM_001386298.1 (MANE Select); coding-DNA position 2180, C replaced by A.
Protein change: p.Ala727Asp; replaces alanine 727 with aspartic acid.
Molecular consequence: missense variant.
Genome position (GRCh38, 1-based): chr19:42,273,963, C>A. VCF-style: chr19-42273963-C-A. GRCh37 (hg19) VCF-style: chr19-42778115-C-A.
Other names: c.2180C>A, p.Ala727Asp (NM_001439183.1, NM_001439184.1, NM_001439185.1 and 6 more transcripts); short protein forms A727D.
Identifiers: ClinVar variation 5006002 (VCV005006002.2).
Genomic context (GRCh38, chr19:42,273,963, plus strand): 5'-TGCCCATCAGCCCTGGGCGACGGAAGACAGAGCTGTTGCCGCATCCAGGGGCCTTGGGGG[C>A]CCCTGGCGCAGGGGGTGGAGGAGCCGCCCCAGACTTTCCCAAGAGTGACAGCTTAGACTC-3'
Protein context (NP_001373227.1, residues 717-737): ELLPHPGALG[Ala727Asp]PGAGGGGAAP